The following is an entry in ClinVar:

ClinVar aggregate classification (germline): Conflicting classifications of pathogenicity. Review status: criteria provided, conflicting classifications (1 of 4 stars). 2 submissions from 2 submitters: Uncertain significance (1); Likely benign (1). Last evaluated 2025-12-30.

Conditions:
SLC10A1-related disorder. Also called: SLC10A1-related condition.

gnomAD v4.1: 7 of 1,614,172 alleles (0.00043%); highest among the groups gnomAD compares: Admixed American, 0.0017%; no homozygotes.

Submissions (2):

PreventionGenetics, part of Exact Sciences
Classification: Likely benign for SLC10A1-related condition. Last evaluated: 2025-12-30. Review status: criteria provided, single submitter. Criteria: ACMG Guidelines, 2015. Collection method: clinical testing. Allele origin: germline.
Comment: This variant is classified as likely benign based on ACMG/AMP sequence variant interpretation guidelines (Richards et al. 2015 PMID: 25741868, with internal and published modifications).

Eurofins Ntd Llc (ga)
Classification: Uncertain significance. Last evaluated: 2017-09-18. Review status: criteria provided, single submitter. Criteria: EGL Classification Definitions 2015. Collection method: clinical testing. Allele origin: germline. Observed: 1 variant allele, 1 heterozygote.

NM_003049.4(SLC10A1):c.84C>T (p.Ser28=)

Gene: SLC10A1 (solute carrier family 10 member 1; minus strand). Cytogenetic location: 14q24.1.
Variant type: single nucleotide variant.
Coding change: c.84C>T on transcript NM_003049.4 (MANE Select); coding-DNA position 84, C replaced by T.
Protein change: p.Ser28=; no amino-acid change (serine 28 retained).
Molecular consequence: synonymous variant.
Genome position (GRCh38, 1-based): chr14:69,797,072, G>A on the plus strand (C>T on the coding strand, the complement: SLC10A1 is on the minus strand). VCF-style: chr14-69797072-G-A. GRCh37 (hg19) VCF-style: chr14-70263789-G-A.
Other names: c.84C>T (NM_003049.3).
Identifiers: ClinVar variation 594132 (VCV000594132.6), dbSNP rs1434384653, ClinGen allele CA487005104.